The following is an entry in ClinVar:

ClinVar aggregate classification (germline): Uncertain significance (0 of 4 stars; one submission).

gnomAD v4.1: 553 of 1,613,768 alleles (0.034%); highest among the groups gnomAD compares: Non-Finnish European, 0.046%; 1 homozygote.

Submission:

Department of Pathology and Laboratory Medicine, Sinai Health System
Classification: Uncertain significance. Review status: no assertion criteria provided. Collection method: clinical testing. Allele origin: unknown. Affected: yes. Study: The Canadian Open Genetics Repository (COGR).
Comment: The POLQ p.S1328* variant was not identified in the literature nor was it identified in ClinVar, Cosmic or LOVD 3.0. The variant was identified in dbSNP (ID: rs200227584) and in control databases in 30 of 282376 chromosomes at a frequency of 0.0001062 (Genome Aggregation Database March 6, 2019, v2.1.1). The variant was observed in the European (non-Finnish) population in 30 of 128756 chromosomes (freq: 0.000233), but was not observed in the African, Latino, Ashkenazi Jewish, East Asian, European (Finnish), Other, or South Asian populations. The c.3983C>G variant leads to a premature stop codon at position 1328 which is predicted to lead to a truncated or absent protein. It is unclear at this time whether loss of function variants of the POLQ gene play a role in disease, however truncating variants have been reported previously in breast cancer patients (Wang_2008_PMID:18281469). The variant occurs outside of the splicing consensus sequence and three of four in silico or computational prediction software programs (SpliceSiteFinder, MaxEntScan, NNSPLICE, GeneSplicer) do not predict a greater than 10% difference in splicing; this is not very predictive of pathogenicity. In summary, based on the above information the clinical significance of this variant cannot be determined with certainty at this time. This variant is classified as a variant of uncertain significance.

NM_199420.4(POLQ):c.3983C>G (p.Ser1328Ter)

Gene: POLQ (DNA polymerase theta; minus strand). Cytogenetic location: 3q13.33.
Variant type: single nucleotide variant.
Coding change: c.3983C>G on transcript NM_199420.4 (MANE Select); coding-DNA position 3983, C replaced by G.
Protein change: p.Ser1328Ter; replaces serine 1328 with a stop codon.
Molecular consequence: nonsense.
Genome position (GRCh38, 1-based): chr3:121,488,948, G>C on the plus strand (C>G on the coding strand, the complement: POLQ is on the minus strand). VCF-style: chr3-121488948-G-C. GRCh37 (hg19) VCF-style: chr3-121207795-G-C.
Other names: short protein forms S1328*.
Identifiers: ClinVar variation 1048981 (VCV001048981.1), dbSNP rs200227584, ClinGen allele CA2562976.
Genomic context (GRCh38, chr3:121,488,948, plus strand): 5'-TTGGTGTCCTTTGCTCCTAGTTTGGCATTTTCAGTTGCCATCTGTTGTATTATTTTCTCT[G>C]ACTGAGTATCCAGATAGAAACTATCTTCAAAATCACAGAGGACTAAACCTAAGTCAGAAA-3'